The following is an entry in ClinVar:

NM_003235.5(TG):c.3147_3157del (p.Cys1049_Asp1053delinsTer)

Gene: TG (thyroglobulin; plus strand). Cytogenetic location: 8q24.22.
Variant type: Deletion.
Coding change: c.3147_3157del on transcript NM_003235.5 (MANE Select); coding-DNA positions 3147 to 3157, 11 bases deleted (CTGGTGTGTAG).
Protein change: p.Cys1049_Asp1053delinsTer.
Molecular consequence: nonsense.
Genome position (GRCh38, 1-based): chr8:132,898,176-132,898,186, CTGGTGTGTAG deleted; deleting any 11 consecutive bases within chr8:132,898,175-132,898,186 gives the same sequence; the c. name uses the placement nearest the transcript's 3' end. VCF-style (leftmost placement, unchanged base first): chr8-132898174-TGCTGGTGTGTA-T. GRCh37 (hg19) VCF-style: chr8-133910419-TGCTGGTGTGTA-T.
Identifiers: ClinVar variation 2754010 (VCV002754010.3), dbSNP rs2490017645, ClinGen allele CA2697550154.

ClinVar aggregate classification (germline): Pathogenic (1 of 4 stars; one submission).

Submission:

Labcorp Genetics (formerly Invitae), Labcorp
Classification: Pathogenic. Last evaluated: 2023-08-19. Review status: criteria provided, single submitter. Criteria: Invitae Variant Classification Sherloc (09022015). Collection method: clinical testing. Allele origin: germline.
Comment: This sequence change creates a premature translational stop signal (p.Cys1049*) in the TG gene. It is expected to result in an absent or disrupted protein product. Loss-of-function variants in TG are known to be pathogenic (PMID: 19837936, 23164529). For these reasons, this variant has been classified as Pathogenic. This variant has not been reported in the literature in individuals affected with TG-related conditions. This variant is not present in population databases (gnomAD no frequency).

Literature cited by the submitters: PubMed 19837936; PubMed 23164529.